The following is an entry in ClinVar:

ClinVar aggregate classification (germline): Pathogenic (1 of 4 stars; one submission).

Conditions:
Methylcobalamin deficiency type cblE (HMAE). Also called: HOMOCYSTINURIA-MEGALOBLASTIC ANEMIA, cblE TYPE; VITAMIN B12-RESPONSIVE HOMOCYSTINURIA, cblE TYPE; HOMOCYSTINURIA-MEGALOBLASTIC ANEMIA, cblE COMPLEMENTATION TYPE. Identifiers: Orphanet 2169, Orphanet 622, MedGen C1856057, MONDO:0009354, OMIM 236270.

Submission:

Labcorp Genetics (formerly Invitae), Labcorp
Classification: Pathogenic for Methylcobalamin deficiency type cblE. Last evaluated: 2021-03-26. Review status: criteria provided, single submitter. Criteria: Invitae Variant Classification Sherloc (09022015). Collection method: clinical testing. Allele origin: germline.
Comment: For these reasons, this variant has been classified as Pathogenic. This variant has not been reported in the literature in individuals with MTRR-related conditions. This variant is not present in population databases (ExAC no frequency). This sequence change creates a premature translational stop signal (p.Trp492Cysfs*50) in the MTRR gene. It is expected to result in an absent or disrupted protein product. Loss-of-function variants in MTRR are known to be pathogenic (PMID: 15714522).

Literature cited by the submitters: PubMed 15714522.

NM_002454.3(MTRR):c.1476del (p.Trp492fs)

Gene: MTRR (5-methyltetrahydrofolate-homocysteine methyltransferase reductase; plus strand). Cytogenetic location: 5p15.31.
Variant type: Deletion.
Coding change: c.1476del on transcript NM_002454.3 (MANE Select); coding-DNA position 1476, one base deleted (G; older notation c.1476delG).
Protein change: p.Trp492fs; shifts the reading frame from tryptophan 492.
Molecular consequence: frameshift variant. On other transcripts: non-coding transcript variant (14).
Genome position (GRCh38, 1-based): chr5:7,892,832, G deleted; the last of 2 consecutive G bases (chr5:7,892,831-7,892,832); deleting either gives the same sequence. VCF-style (leftmost placement, unchanged base first): chr5-7892830-TG-T. GRCh37 (hg19) VCF-style: chr5-7892943-TG-T.
Other names: c.1476del, p.Trp492fs (NM_001364440.2, NM_001364441.2, NM_001364442.2 and 1 more transcripts); short protein forms W492fs.
Identifiers: ClinVar variation 1364376 (VCV001364376.6), dbSNP rs2126793645, ClinGen allele CA2573139561.